The following is an entry in ClinVar:

NM_000043.6(FAS):c.418T>C (p.Cys140Arg)

Gene: FAS (Fas cell surface death receptor; plus strand). Cytogenetic location: 10q23.31.
Variant type: single nucleotide variant.
Coding change: c.418T>C on transcript NM_000043.6 (MANE Select); coding-DNA position 418, T replaced by C.
Protein change: p.Cys140Arg; replaces cysteine 140 with arginine.
Molecular consequence: missense variant. On other transcripts: non-coding transcript variant (1).
Genome position (GRCh38, 1-based): chr10:89,008,972, T>C. VCF-style: chr10-89008972-T-C. GRCh37 (hg19) VCF-style: chr10-90768729-T-C.
Other names: c.418T>C, p.Cys140Arg (NM_001320619.2, NM_152871.4, NM_152872.4); c.463T>C, p.Cys155Arg (NM_001410956.1); short protein forms C140R, C155R.
Identifiers: ClinVar variation 3683022 (VCV003683022.2).
Genomic context (GRCh38, chr10:89,008,972, plus strand): 5'-ACCCGGACCCAGAATACCAAGTGCAGATGTAAACCAAACTTTTTTTGTAACTCTACTGTA[T>C]GTGAACACTGTGACCCTTGCACCAAGTAAGTTTTAGTCTTTCTCTGATTAAAACACTAGA-3'
Protein context (NP_000034.1, residues 130-150): KPNFFCNSTV[Cys140Arg]EHCDPCTKCE

ClinVar aggregate classification (germline): Uncertain significance (1 of 4 stars; one submission).

Conditions:
Autoimmune lymphoproliferative syndrome type 1. Also called: AUTOIMMUNE LYMPHOPROLIFERATIVE SYNDROME, TYPE I, AUTOSOMAL DOMINANT. Identifiers: Orphanet 3261, MedGen C2717884, MONDO:0011158, OMIM 601859.

Submission:

Labcorp Genetics (formerly Invitae), Labcorp
Classification: Uncertain significance for Autoimmune lymphoproliferative syndrome. Last evaluated: 2024-07-02. Review status: criteria provided, single submitter. Criteria: Invitae Variant Classification Sherloc (09022015). Collection method: clinical testing. Allele origin: germline.
Comment: This sequence change replaces cysteine, which is neutral and slightly polar, with arginine, which is basic and polar, at codon 140 of the FAS protein (p.Cys140Arg). This variant is not present in population databases (gnomAD no frequency). This variant has not been reported in the literature in individuals affected with FAS-related conditions. Advanced modeling of protein sequence and biophysical properties (such as structural, functional, and spatial information, amino acid conservation, physicochemical variation, residue mobility, and thermodynamic stability) performed at Invitae indicates that this missense variant is expected to disrupt FAS protein function with a positive predictive value of 95%. In summary, the available evidence is currently insufficient to determine the role of this variant in disease. Therefore, it has been classified as a Variant of Uncertain Significance.